The following is an entry in ClinVar:

ClinVar aggregate classification (germline): Uncertain significance (1 of 4 stars; one submission).

Conditions:
Pigmentary pallidal degeneration (NBIA1). Also called: Pantothenate Kinase-Associated Neurodegeneration; Neuroaxonal dystrophy, late infantile; Hallervorden-Spatz disease; PKAN NEUROAXONAL DYSTROPHY, JUVENILE-ONSET; HARP SYNDROME; Neurodegeneration with brain iron accumulation 1. Identifiers: Orphanet 157850, MedGen C0018523, MONDO:0009319, OMIM 234200.

Allele frequency attached by ClinVar (database versions not stated): gnomAD 0.00001; gnomAD exomes 0.00001 and below 0.00001; TOPMed below 0.00001.
gnomAD v4.1: 12 of 1,614,050 alleles (0.00074%); highest among the groups gnomAD compares: African/African-American, 0.0027%; no homozygotes.

Submission:

Labcorp Genetics (formerly Invitae), Labcorp
Classification: Uncertain significance for Pigmentary pallidal degeneration. Last evaluated: 2021-11-18. Review status: criteria provided, single submitter. Criteria: Invitae Variant Classification Sherloc (09022015). Collection method: clinical testing. Allele origin: germline.
Comment: This sequence change replaces serine, which is neutral and polar, with leucine, which is neutral and non-polar, at codon 551 of the PANK2 protein (p.Ser551Leu). This variant is present in population databases (no rsID available, gnomAD 0.004%). This variant has not been reported in the literature in individuals affected with PANK2-related conditions. Algorithms developed to predict the effect of missense changes on protein structure and function (SIFT, PolyPhen-2, Align-GVGD) all suggest that this variant is likely to be tolerated. In summary, the available evidence is currently insufficient to determine the role of this variant in disease. Therefore, it has been classified as a Variant of Uncertain Significance.

NM_001386393.1(PANK2):c.1322C>T (p.Ser441Leu)

Gene: PANK2 (pantothenate kinase 2; plus strand). Cytogenetic location: 20p13.
Variant type: single nucleotide variant.
Coding change: c.1322C>T on transcript NM_001386393.1 (MANE Select); coding-DNA position 1322, C replaced by T.
Protein change: p.Ser441Leu; replaces serine 441 with leucine.
Molecular consequence: missense variant. On other transcripts: non-coding transcript variant (1).
Genome position (GRCh38, 1-based): chr20:3,918,786, C>T. VCF-style: chr20-3918786-C-T. GRCh37 (hg19) VCF-style: chr20-3899433-C-T.
Other names: c.779C>T, p.Ser260Leu (NM_001324191.2, NM_024960.6, NM_153640.4); c.344C>T, p.Ser115Leu (NM_001324193.2); c.1652C>T, p.Ser551Leu (NM_153638.4); short protein forms S551L, S115L, S260L, S441L.
Identifiers: ClinVar variation 1494634 (VCV001494634.3), dbSNP rs967346135, ClinGen allele CA311040146.